The following is an entry in ClinVar:

NM_198576.4(AGRN):c.4705G>A (p.Ala1569Thr)

Gene: AGRN (agrin; plus strand). Cytogenetic location: 1p36.33.
Variant type: single nucleotide variant.
Coding change: c.4705G>A on transcript NM_198576.4 (MANE Select); coding-DNA position 4705, G replaced by A.
Protein change: p.Ala1569Thr; replaces alanine 1569 with threonine.
Molecular consequence: missense variant.
Genome position (GRCh38, 1-based): chr1:1,049,756, G>A. VCF-style: chr1-1049756-G-A. GRCh37 (hg19) VCF-style: chr1-985136-G-A.
Other names: c.4705G>A, p.Ala1569Thr (NM_001305275.2); c.4390G>A, p.Ala1464Thr (NM_001364727.2); short protein forms A1464T, A1569T.
Identifiers: ClinVar variation 4690328 (VCV004690328.1).

ClinVar aggregate classification (germline): Uncertain significance (1 of 4 stars; one submission).

Conditions:
Congenital myasthenic syndrome 8. Also called: MYASTHENIC SYNDROME, CONGENITAL, DUE TO AGRIN DEFICIENCY; Myasthenic syndrome, congenital, 8, with pre- and postsynaptic defects. Identifiers: Orphanet 590, MedGen C3808739, MONDO:0014052, OMIM 615120.

Submission:

Labcorp Genetics (formerly Invitae), Labcorp
Classification: Uncertain significance for Congenital myasthenic syndrome 8. Last evaluated: 2026-01-27. Review status: criteria provided, single submitter. Criteria: Invitae Variant Classification Sherloc (09022015). Collection method: clinical testing. Allele origin: germline.
Comment: This sequence change replaces alanine, which is neutral and non-polar, with threonine, which is neutral and polar, at codon 1569 of the AGRN protein (p.Ala1569Thr). The frequency data for this variant in the population databases is considered unreliable, as metrics indicate poor data quality at this position in the gnomAD database. This variant has not been reported in the literature in individuals affected with AGRN-related conditions. An algorithm developed to predict the effect of missense changes on protein structure and function (PolyPhen-2) suggests that this variant is likely to be disruptive. In summary, the available evidence is currently insufficient to determine the role of this variant in disease. Therefore, it has been classified as a Variant of Uncertain Significance.